The following is an entry in ClinVar:

ClinVar aggregate classification (germline): Uncertain significance (1 of 4 stars; one submission).

Conditions:
Congenital prothrombin deficiency. Also called: Inherited hypoprothrombinemia; Congenital factor II deficiency; Inherited prothrombin deficiency; HYPOPROTHROMBINEMIA; Factor II deficiency; Hereditary factor II deficiency disease. Identifiers: Orphanet 325, MedGen C0272317, MONDO:0013361, OMIM 613679.
Thrombophilia due to thrombin defect (THPH1). Also called: Thrombosis susceptibility; THROMBOPHILIA DUE TO FACTOR 2 DEFECT; Prothrombin-Related Thrombophilia (Factor II); Prothrombin Thrombophilia. Identifiers: MedGen C3160733, MONDO:0008559, OMIM 188050. Disease mechanism: gain of function, loss of function.
Pregnancy loss, recurrent, susceptibility to, 2 (RPRGL2). Identifiers: MedGen C3280672, MONDO:0013728, OMIM 614390.
Ischemic stroke. Also called: Ischemic stroke, susceptibility to; CEREBROVASCULAR ACCIDENT. Identifiers: MedGen C0948008, MONDO:1060198, OMIM 601367, HP:0002140.

Submission:

Juno Genomics, Hangzhou Juno Genomics, Inc
Classification: Uncertain significance for Thrombophilia due to thrombin defect; Pregnancy loss, recurrent, susceptibility to, 2; Ischemic stroke; Congenital prothrombin deficiency. Review status: criteria provided, single submitter. Criteria: ACMG Guidelines, 2015. Collection method: clinical testing. Allele origin: germline.
Comment: Absent from controls (or at extremely low frequency if recessive) in Genome Aggregation Database.

NM_000506.5(F2):c.1299G>T (p.Arg433Ser)

Gene: F2 (coagulation factor II, thrombin; plus strand). Cytogenetic location: 11p11.2.
Variant type: single nucleotide variant.
Coding change: c.1299G>T on transcript NM_000506.5 (MANE Select); coding-DNA position 1299, G replaced by T.
Protein change: p.Arg433Ser; replaces arginine 433 with serine.
Molecular consequence: missense variant.
Genome position (GRCh38, 1-based): chr11:46,728,664, G>T. VCF-style: chr11-46728664-G-T. GRCh37 (hg19) VCF-style: chr11-46750214-G-T.
Other names: short protein forms R433S.
Identifiers: ClinVar variation 5007871 (VCV005007871.2).
Genomic context (GRCh38, chr11:46,728,664, plus strand): 5'-TTCCTGCTCCTTGCTGGGTGAACCTGCAGCTTCTCCATTTCTTTCTTGGGGTCTCTGCAG[G>T]TACGAGCGAAACATTGAAAAGATATCCATGTTGGAAAAGATCTACATCCACCCCAGGTAC-3'
Protein context (NP_000497.1, residues 423-443): LVRIGKHSRT[Arg433Ser]YERNIEKISM